The following is an entry in ClinVar:

NM_023077.3(COA7):c.407A>G (p.Asp136Gly)

Genes: COA7 (cytochrome c oxidase assembly factor 7; minus strand), LOC129388524 (MPRA-validated peak230 silencer; plus strand). Cytogenetic location: 1p32.3.
Variant type: single nucleotide variant.
Coding change: c.407A>G on transcript NM_023077.3 (MANE Select); coding-DNA position 407, A replaced by G.
Protein change: p.Asp136Gly; replaces aspartic acid 136 with glycine.
Molecular consequence: missense variant.
Genome position (GRCh38, 1-based): chr1:52,688,009, T>C on the plus strand (A>G on the coding strand, the complement: COA7 is on the minus strand). VCF-style: chr1-52688009-T-C. GRCh37 (hg19) VCF-style: chr1-53153681-T-C.
Other names: short protein forms D136G.
Identifiers: ClinVar variation 3026114 (VCV003026114.22), dbSNP rs149619059, ClinGen allele CA855650.

ClinVar aggregate classification (germline): Uncertain significance (1 of 4 stars; one submission).

Allele frequency attached by ClinVar (database versions not stated): ExAC 0.00001; gnomAD 0.00001; TOPMed 0.00001; ESP Exome Variant Server 0.00008.
gnomAD v4.1: 26 of 1,614,024 alleles (0.0016%); highest among the groups gnomAD compares: Non-Finnish European, 0.0022%; no homozygotes.

Submission:

CeGaT Center for Human Genetics Tuebingen
Classification: Uncertain significance. Last evaluated: 2023-12-01. Review status: criteria provided, single submitter. Criteria: CeGaT Center For Human Genetics Tuebingen Variant Classification Criteria Version 2. Collection method: clinical testing. Allele origin: germline. Affected: yes. Observed: 1 variant allele.
Comment: COA7: PM2, BP4